The following is an entry in ClinVar:

NM_001256071.3(RNF213):c.14824_14844dup (p.Glu4942_Val4948dup)

Genes: RNF213-AS1 (RNF213 antisense RNA 1; minus strand), RNF213 (ring finger protein 213; plus strand). Cytogenetic location: 17q25.3.
Variant type: Duplication.
Coding change: c.14824_14844dup on transcript NM_001256071.3 (MANE Select); coding-DNA positions 14824 to 14844, 21 bases duplicated (GAGGAGGGCAGAGAGACCGTG).
Protein change: p.Glu4942_Val4948dup.
Molecular consequence: inframe insertion.
Genome position (GRCh38, 1-based): chr17:80,386,793-80,386,813, GAGGAGGGCAGAGAGACCGTG duplicated; duplicating any 21 consecutive bases within chr17:80,386,790-80,386,813 gives the same sequence; the c. name uses the placement nearest the transcript's 3' end. VCF-style (leftmost placement, unchanged base first): chr17-80386789-G-GGTGGAGGAGGGCAGAGAGACC. GRCh37 (hg19) VCF-style: chr17-78360589-G-GGTGGAGGAGGGCAGAGAGACC.
Identifiers: ClinVar variation 1463242 (VCV001463242.6), dbSNP rs2144642474, ClinGen allele CA502408754.

ClinVar aggregate classification (germline): Uncertain significance (1 of 4 stars; one submission).

Submission:

Labcorp Genetics (formerly Invitae), Labcorp
Classification: Uncertain significance. Last evaluated: 2024-02-22. Review status: criteria provided, single submitter. Criteria: Invitae Variant Classification Sherloc (09022015). Collection method: clinical testing. Allele origin: germline.
Comment: This variant, c.14824_14844dup, results in the insertion of 7 amino acid(s) of the RNF213 protein (p.Glu4942_Val4948dup), but otherwise preserves the integrity of the reading frame. This variant is not present in population databases (gnomAD no frequency). This variant has been observed in individual(s) with clinical features of RNF213-related conditions (Invitae). ClinVar contains an entry for this variant (Variation ID: 1463242). Experimental studies and prediction algorithms are not available or were not evaluated, and the functional significance of this variant is currently unknown. In summary, the available evidence is currently insufficient to determine the role of this variant in disease. Therefore, it has been classified as a Variant of Uncertain Significance.